The following is an entry in ClinVar:

NM_000038.6(APC):c.1762G>C (p.Val588Leu)

Gene: APC (APC regulator of Wnt signaling pathway; plus strand). Cytogenetic location: 5q22.2.
Variant type: single nucleotide variant.
Coding change: c.1762G>C on transcript NM_000038.6 (MANE Select); coding-DNA position 1762, G replaced by C.
Protein change: p.Val588Leu; replaces valine 588 with leucine.
Molecular consequence: missense variant.
Genome position (GRCh38, 1-based): chr5:112,834,969, G>C. VCF-style: chr5-112834969-G-C. GRCh37 (hg19) VCF-style: chr5-112170666-G-C.
Other names: c.1762G>C, p.Val588Leu (NM_001127510.3, NM_001354895.2); c.1708G>C, p.Val570Leu (NM_001127511.3); c.1816G>C, p.Val606Leu (NM_001354896.2); c.1792G>C, p.Val598Leu (NM_001354897.2); c.1687G>C, p.Val563Leu (NM_001354898.2); c.1678G>C, p.Val560Leu (NM_001354899.2); c.1639G>C, p.Val547Leu (NM_001354900.2); c.1585G>C, p.Val529Leu (NM_001354901.2); and 5 more; short protein forms V570L, V588L, V305L, V547L, V598L, V606L, V529L, V560L.
Identifiers: ClinVar variation 573838 (VCV000573838.9), dbSNP rs372416031, ClinGen allele CA16025167.
Genomic context (GRCh38, chr5:112,834,969, plus strand): 5'-TTCCAACTCTAATTAGATGACCCATATTCTGTTTCTTACTAGGAATCAACCCTCAAAAGC[G>C]TATTGAGTGCCTTATGGAATTTGTCAGCACATTGCACTGAGAATAAAGCTGATATATGTG-3'
Protein context (NP_000029.2, residues 578-598): EVKKESTLKS[Val588Leu]LSALWNLSAH

ClinVar aggregate classification (germline): Uncertain significance. Review status: criteria provided, multiple submitters, no conflicts (2 of 4 stars). 2 submissions from 2 submitters: Uncertain significance (2). Last evaluated 2024-04-26.

Conditions:
Familial adenomatous polyposis 1 (FAP1). Also called: POLYPOSIS, ADENOMATOUS INTESTINAL; FAMILIAL ADENOMATOUS POLYPOSIS 1, ATTENUATED. Identifiers: MedGen C2713442, MONDO:0021056, OMIM 175100. Disease mechanism: loss of function.
Hereditary cancer-predisposing syndrome. Also called: Neoplastic Syndromes, Hereditary; Hereditary Cancer Syndrome; Tumor predisposition; Hereditary neoplastic syndrome. Identifiers: Orphanet 140162, MedGen C0027672, MeSH D009386, MONDO:0015356.

Submissions (2):

Ambry Genetics
Classification: Uncertain significance for Hereditary cancer-predisposing syndrome. Last evaluated: 2024-04-26. Review status: criteria provided, single submitter. Criteria: Ambry Variant Classification Scheme 2023. Collection method: clinical testing. Allele origin: germline.
Comment: The p.V588L variant (also known as c.1762G>C), located in coding exon 14 of the APC gene, results from a G to C substitution at nucleotide position 1762. The valine at codon 588 is replaced by leucine, an amino acid with highly similar properties. This amino acid position is highly conserved in available vertebrate species. In addition, in silico predictors for this gene do not accurately predict pathogenicity. Missense alterations in APC are not a common cause of disease (Spier I et al. Genet Med. 2024 Feb;26(2):100992). Based on the available evidence, the clinical significance of this variant remains unclear.

Labcorp Genetics (formerly Invitae), Labcorp
Classification: Uncertain significance for Familial adenomatous polyposis 1. Last evaluated: 2023-08-03. Review status: criteria provided, single submitter. Criteria: Invitae Variant Classification Sherloc (09022015). Collection method: clinical testing. Allele origin: germline.
Comment: In summary, the available evidence is currently insufficient to determine the role of this variant in disease. Therefore, it has been classified as a Variant of Uncertain Significance. This sequence change replaces valine, which is neutral and non-polar, with leucine, which is neutral and non-polar, at codon 588 of the APC protein (p.Val588Leu). This variant is not present in population databases (gnomAD no frequency). This variant has not been reported in the literature in individuals affected with APC-related conditions. ClinVar contains an entry for this variant (Variation ID: 573838). Advanced modeling of protein sequence and biophysical properties (such as structural, functional, and spatial information, amino acid conservation, physicochemical variation, residue mobility, and thermodynamic stability) performed at Invitae indicates that this missense variant is not expected to disrupt APC protein function.